The following is an entry in ClinVar:

ClinVar aggregate classification (germline): Uncertain significance (1 of 4 stars; one submission).

Submission:

Labcorp Genetics (formerly Invitae), Labcorp
Classification: Uncertain significance. Last evaluated: 2019-12-31. Review status: criteria provided, single submitter. Criteria: Invitae Variant Classification Sherloc (09022015). Collection method: clinical testing. Allele origin: germline.
Comment: In summary, the available evidence is currently insufficient to determine the role of this variant in disease. Therefore, it has been classified as a Variant of Uncertain Significance. Algorithms developed to predict the effect of missense changes on protein structure and function output the following: SIFT: "Tolerated"; PolyPhen-2: "Benign"; Align-GVGD: "Class C0". The threonine amino acid residue is found in multiple mammalian species, suggesting that this missense change does not adversely affect protein function. These predictions have not been confirmed by published functional studies and their clinical significance is uncertain. This variant has not been reported in the literature in individuals with NYX-related conditions. This variant is not present in population databases (ExAC no frequency). This sequence change replaces alanine with threonine at codon 318 of the NYX protein (p.Ala318Thr). The alanine residue is weakly conserved and there is a small physicochemical difference between alanine and threonine.

NM_001378477.3(NYX):c.937G>A (p.Ala313Thr)

Gene: NYX (nyctalopin; plus strand). Cytogenetic location: Xp11.4.
Variant type: single nucleotide variant.
Coding change: c.937G>A on transcript NM_001378477.3 (MANE Select); coding-DNA position 937, G replaced by A.
Protein change: p.Ala313Thr; replaces alanine 313 with threonine.
Molecular consequence: missense variant.
Genome position (GRCh38, 1-based): chrX:41,474,405, G>A. VCF-style: chrX-41474405-G-A. GRCh37 (hg19) VCF-style: chrX-41333658-G-A.
Other names: c.937G>A, p.Ala313Thr (NM_022567.3); short protein forms A318T, A313T.
Identifiers: ClinVar variation 844178 (VCV000844178.8), dbSNP rs775085199, ClinGen allele CA412991832.